The following is an entry in ClinVar:

NM_000439.5(PCSK1):c.752C>T (p.Ala251Val)

Genes: CAST (calpastatin; plus strand), PCSK1 (proprotein convertase subtilisin/kexin type 1; minus strand), LOC101929710 (uncharacterized LOC101929710; plus strand). Cytogenetic location: 5q15.
Variant type: single nucleotide variant.
Coding change: c.752C>T on transcript NM_000439.5 (MANE Select); coding-DNA position 752, C replaced by T.
Protein change: p.Ala251Val; replaces alanine 251 with valine.
Molecular consequence: missense variant. On other transcripts: intron variant (11).
Genome position (GRCh38, 1-based): chr5:96,412,448, G>A on the plus strand (C>T on the coding strand, the complement: PCSK1 is on the minus strand). VCF-style: chr5-96412448-G-A. GRCh37 (hg19) VCF-style: chr5-95748152-G-A.
Other names: c.611C>T, p.Ala204Val (NM_001177875.2); c.-175+32796G>A (NM_001423254.1, NM_001423259.1, NM_001423255.1 and 6 more transcripts); c.-103+32796G>A (NM_001423253.1); c.-40+32796G>A (NM_001423258.1); short protein forms A204V, A251V.
Identifiers: ClinVar variation 4991419 (VCV004991419.1).

ClinVar aggregate classification (germline): Uncertain significance (1 of 4 stars; one submission).

Conditions:
PCSK1-related disorder. Also called: PCSK1-related condition.

gnomAD v4.1: 3 of 1,613,894 alleles (0.00019%); highest among the groups gnomAD compares: East Asian, 0.0022%; no homozygotes.

Submission:

PreventionGenetics, part of Exact Sciences
Classification: Uncertain significance for PCSK1-related condition. Last evaluated: 2026-05-11. Review status: criteria provided, single submitter. Criteria: ACMG Guidelines, 2015. Collection method: clinical testing. Allele origin: germline.
Comment: The PCSK1 c.752C>T variant is predicted to result in the amino acid substitution p.Ala251Val. In vitro functional studies showed strong evidence of loss of function (Supplemental Data Set, Shah et al. 2023. PubMed ID: 36864747). To our knowledge, this variant has not been reported in a large population database (gnomAD), indicating this variant is rare. Although we suspect that this variant may be pathogenic, at this time, the clinical significance of this variant is uncertain due to the absence of conclusive functional and genetic evidence.